The following is an entry in ClinVar:

ClinVar aggregate classification (germline): Uncertain significance. Review status: criteria provided, multiple submitters, no conflicts (2 of 4 stars). 2 submissions from 2 submitters: Uncertain significance (2). Last evaluated 2024-06-17.

Allele frequency attached by ClinVar (database versions not stated): ExAC 0.00003; ESP Exome Variant Server 0.00008; gnomAD exomes 0.00008; gnomAD 0.00009; TOPMed 0.00009.

Submissions (2):

GeneDx
Classification: Uncertain significance. Last evaluated: 2024-06-17. Review status: criteria provided, single submitter. Criteria: GeneDx Variant Classification Process June 2021. Collection method: clinical testing. Allele origin: germline. Affected: yes.
Comment: In silico analysis supports that this missense variant has a deleterious effect on protein structure/function; This variant is associated with the following publications: (PMID: 29924831, 26510912)

Labcorp Genetics (formerly Invitae), Labcorp
Classification: Uncertain significance. Last evaluated: 2022-10-18. Review status: criteria provided, single submitter. Criteria: Invitae Variant Classification Sherloc (09022015). Collection method: clinical testing. Allele origin: germline.
Comment: This sequence change replaces arginine, which is basic and polar, with histidine, which is basic and polar, at codon 328 of the HGF protein (p.Arg328His). This variant is present in population databases (rs374484762, gnomAD 0.009%). This variant has not been reported in the literature in individuals affected with HGF-related conditions. Algorithms developed to predict the effect of missense changes on protein structure and function are either unavailable or do not agree on the potential impact of this missense change (SIFT: "Not Available"; PolyPhen-2: "Benign"; Align-GVGD: "Not Available"). In summary, the available evidence is currently insufficient to determine the role of this variant in disease. Therefore, it has been classified as a Variant of Uncertain Significance.

NM_000601.6(HGF):c.983G>A (p.Arg328His)

Gene: HGF (hepatocyte growth factor; minus strand). Cytogenetic location: 7q21.11.
Variant type: single nucleotide variant.
Coding change: c.983G>A on transcript NM_000601.6 (MANE Select); coding-DNA position 983, G replaced by A.
Protein change: p.Arg328His; replaces arginine 328 with histidine.
Molecular consequence: missense variant.
Genome position (GRCh38, 1-based): chr7:81,729,662, C>T on the plus strand (G>A on the coding strand, the complement: HGF is on the minus strand). VCF-style: chr7-81729662-C-T. GRCh37 (hg19) VCF-style: chr7-81358978-C-T.
Other names: c.968G>A, p.Arg323His (NM_001010932.3); c.983G>A (NM_000601.4); short protein forms R328H, R323H.
Identifiers: ClinVar variation 2070994 (VCV002070994.2), dbSNP rs374484762, ClinGen allele CA4317017.